The following is an entry in ClinVar:

ClinVar aggregate classification (germline): Pathogenic (1 of 4 stars; one submission).

Conditions:
Retinoblastoma (RB1). Also called: RETINOBLASTOMA, SOMATIC. Identifiers: Orphanet 790, MedGen C0035335, MeSH D012175, MONDO:0008380, OMIM 180200, HP:0009919. Disease mechanism: loss of function. Inheritance: Both sporadic and heritable forms are tested..

Submission:

Labcorp Genetics (formerly Invitae), Labcorp
Classification: Pathogenic for Retinoblastoma. Last evaluated: 2021-10-19. Review status: criteria provided, single submitter. Criteria: Invitae Variant Classification Sherloc (09022015). Collection method: clinical testing. Allele origin: germline.
Comment: A gross deletion of the genomic region encompassing the full coding sequence of the RB1 gene has been identified. Loss-of-function variants in RB1 are known to be pathogenic (PMID: 17096365). The boundaries of this event are unknown as they extend beyond the assayed region for this gene and therefore may encompass additional genes. A similar copy number variant has been observed in individuals with retinoblastoma (PMID: 12541220). For these reasons, this variant has been classified as Pathogenic.

Literature cited by the submitters: PubMed 17096365; PubMed 12541220.

NC_000013.11:g.(?_48303903)_(48480081_?)del

Genes: LPAR6 (lysophosphatidic acid receptor 6; minus strand), RB1 (RB transcriptional corepressor 1; plus strand), LOC130009754 (ATAC-STARR-seq lymphoblastoid active region 7726; plus strand), LOC130009755 (ATAC-STARR-seq lymphoblastoid active region 7727; plus strand). Cytogenetic location: 13q14.2.
Variant type: Deletion.
Identifiers: ClinVar variation 583677 (VCV000583677.4).